The following is an entry in ClinVar:

ClinVar aggregate classification (germline): Conflicting classifications of pathogenicity. Review status: criteria provided, conflicting classifications (1 of 4 stars). 3 submissions from 3 submitters: Uncertain significance (2); Likely benign (1). Last evaluated 2025-10-27.

Conditions:
Neuropathy, hereditary sensory, type 2C. Also called: Hereditary sensory and autonomic neuropathy type IIC; KIF1A-Related HSAN2 (HSAN2C). Identifiers: Orphanet 970, MedGen C3280168, MONDO:0013634, OMIM 614213.
Intellectual disability, autosomal dominant 9 (NESCAVS). Also called: NESCAV SYNDROME; KIF1A-Related Neurodevelopmental Disorder. Identifiers: Orphanet 662367, MedGen C5393830, MONDO:0013656, OMIM 614255.
Hereditary spastic paraplegia 30. Identifiers: Orphanet 101010, MedGen C5235139, MONDO:0012476.

Allele frequency attached by ClinVar (database versions not stated): ExAC 0.00001; gnomAD exomes 0.00001 and 0.00002; gnomAD 0.00004 and 0.00005; TOPMed 0.00006.

Submissions (3):

Labcorp Genetics (formerly Invitae), Labcorp
Classification: Likely benign for Hereditary spastic paraplegia 30; Neuropathy, hereditary sensory, type 2C; Intellectual disability, autosomal dominant 9. Last evaluated: 2025-10-27. Review status: criteria provided, single submitter. Criteria: Invitae Variant Classification Sherloc (09022015). Collection method: clinical testing. Allele origin: germline.

GeneDx
Classification: Uncertain significance. Last evaluated: 2024-04-26. Review status: criteria provided, single submitter. Criteria: GeneDx Variant Classification Process June 2021. Collection method: clinical testing. Allele origin: germline. Affected: yes.
Comment: Has not been previously published as pathogenic or benign to our knowledge; In silico analysis supports that this missense variant has a deleterious effect on protein structure/function

Blueprint Genetics
Classification: Uncertain significance. Last evaluated: 2022-02-14. Review status: criteria provided, single submitter. Criteria: ACMG Guidelines, 2015. Collection method: clinical testing. Allele origin: germline.

NM_001244008.2(KIF1A):c.3602G>A (p.Arg1201His)

Gene: KIF1A (kinesin family member 1A; minus strand). Cytogenetic location: 2q37.3.
Variant type: single nucleotide variant.
Coding change: c.3602G>A on transcript NM_001244008.2 (MANE Select); coding-DNA position 3602, G replaced by A.
Protein change: p.Arg1201His; replaces arginine 1201 with histidine.
Molecular consequence: missense variant.
Genome position (GRCh38, 1-based): chr2:240,742,967, C>T on the plus strand (G>A on the coding strand, the complement: KIF1A is on the minus strand). VCF-style: chr2-240742967-C-T. GRCh37 (hg19) VCF-style: chr2-241682384-C-T.
Other names: c.3326G>A, p.Arg1109His (NM_001320705.2, NM_001330289.2, NM_001379638.1); c.3401G>A, p.Arg1134His (NM_001330290.2, NM_001379634.1, NM_001379635.1 and 1 more transcripts); c.3677G>A, p.Arg1226His (NM_001379631.1); c.3551G>A, p.Arg1184His (NM_001379632.1); c.3575G>A, p.Arg1192His (NM_001379633.1, NM_001379642.1, NM_001379645.1); c.3299G>A, p.Arg1100His (NM_001379636.1, NM_001379639.1, NM_001379641.1 and 5 more transcripts); c.3374G>A, p.Arg1125His (NM_001379637.1, NM_001379648.1); c.3296G>A, p.Arg1099His (NM_001379640.1); short protein forms R1099H, R1100H, R1109H, R1125H, R1134H, R1184H, R1192H, R1201H.
Identifiers: ClinVar variation 1254766 (VCV001254766.10), dbSNP rs765118465, ClinGen allele CA2207736.